The following is an entry in ClinVar:

NM_001037.5(SCN1B):c.34G>A (p.Ala12Thr)

Gene: SCN1B (sodium voltage-gated channel beta subunit 1; plus strand). Cytogenetic location: 19q13.11.
Variant type: single nucleotide variant.
Coding change: c.34G>A on transcript NM_001037.5 (MANE Select); coding-DNA position 34, G replaced by A.
Protein change: p.Ala12Thr; replaces alanine 12 with threonine.
Molecular consequence: missense variant.
Genome position (GRCh38, 1-based): chr19:35,030,854, G>A. VCF-style: chr19-35030854-G-A. GRCh37 (hg19) VCF-style: chr19-35521758-G-A.
Other names: c.34G>A, p.Ala12Thr (NM_199037.5); short protein forms A12T.
Identifiers: ClinVar variation 3655522 (VCV003655522.2).
Genomic context (GRCh38, chr19:35,030,854, plus strand): 5'-GGGGGGCGCAGCACGCGCCGCGCAGCCATGGGGAGGCTGCTGGCCTTAGTGGTCGGCGCG[G>A]CACTGGGTGAGTGCGCGGGGGGCGCGCGCGGCCGGGGGGCACCGCGGGGGCACTGGCGGG-3'
Protein context (NP_001028.1, residues 2-22): GRLLALVVGA[Ala12Thr]LVSSACGGCV

ClinVar aggregate classification (germline): Uncertain significance (1 of 4 stars; one submission).

Conditions:
Brugada syndrome 5 (BRGDA5). Identifiers: Orphanet 130, Orphanet 871, MedGen C2748541, MONDO:0013015, OMIM 612838.

gnomAD v4.1: 2 of 916,900 alleles (0.00022%); highest among the groups gnomAD compares: Non-Finnish European, 0.00027%; no homozygotes.

Submission:

Labcorp Genetics (formerly Invitae), Labcorp
Classification: Uncertain significance for Brugada syndrome 5. Last evaluated: 2024-06-04. Review status: criteria provided, single submitter. Criteria: Invitae Variant Classification Sherloc (09022015). Collection method: clinical testing. Allele origin: germline.
Comment: This sequence change replaces alanine, which is neutral and non-polar, with threonine, which is neutral and polar, at codon 12 of the SCN1B protein (p.Ala12Thr). This variant is not present in population databases (gnomAD no frequency). This variant has not been reported in the literature in individuals affected with SCN1B-related conditions. Experimental studies and prediction algorithms are not available or were not evaluated, and the functional significance of this variant is currently unknown. In summary, the available evidence is currently insufficient to determine the role of this variant in disease. Therefore, it has been classified as a Variant of Uncertain Significance.